The following is an entry in ClinVar:

ClinVar aggregate classification (germline): Likely benign. Review status: criteria provided, multiple submitters, no conflicts (2 of 4 stars). 3 submissions from 3 submitters: Likely benign (2). 1 of the submissions does not count toward it. Last evaluated 2023-12-26.

Conditions:
IRAK1-related disorder. Also called: IRAK1-related condition.

Allele frequency attached by ClinVar (database versions not stated): TOPMed 0.00004; gnomAD exomes 0.00012; gnomAD 0.00013; ExAC 0.00028; 1000 Genomes Project 30x 0.00125; 1000 Genomes Project 0.00159.
gnomAD v4.1: 163 of 1,210,952 alleles (0.013%); highest among the groups gnomAD compares: Middle Eastern, 0.81%; 1 homozygote.

Submissions (3):

Blueprint Genetics
Classification: Likely benign. Last evaluated: 2023-12-26. Review status: criteria provided, single submitter. Criteria: ACMG Guidelines, 2015. Collection method: clinical testing. Allele origin: germline.

CeGaT Center for Human Genetics Tuebingen
Classification: Likely benign. Last evaluated: 2022-12-01. Review status: criteria provided, single submitter. Criteria: CeGaT Center For Human Genetics Tuebingen Variant Classification Criteria Version 2. Collection method: clinical testing. Allele origin: germline. Affected: yes. Observed: 1 variant allele.
Comment: IRAK1: BP4, BP7, BS2

PreventionGenetics, part of Exact Sciences
Classification: Likely benign for IRAK1-related condition. Last evaluated: 2019-10-28. Review status: no assertion criteria provided. Collection method: clinical testing. Allele origin: germline. Not counted in ClinVar's aggregate classification.
Comment: This variant is classified as likely benign based on ACMG/AMP sequence variant interpretation guidelines (Richards et al. 2015 PMID: 25741868, with internal and published modifications).

NM_001569.4(IRAK1):c.1128C>T (p.Ser376=)

Gene: IRAK1 (interleukin 1 receptor associated kinase 1; minus strand). Cytogenetic location: Xq28.
Variant type: single nucleotide variant.
Coding change: c.1128C>T on transcript NM_001569.4 (MANE Select); coding-DNA position 1128, C replaced by T.
Protein change: p.Ser376=; no amino-acid change (serine 376 retained).
Molecular consequence: synonymous variant.
Genome position (GRCh38, 1-based): chrX:154,016,545, G>A on the plus strand (C>T on the coding strand, the complement: IRAK1 is on the minus strand). VCF-style: chrX-154016545-G-A. GRCh37 (hg19) VCF-style: chrX-153281996-G-A.
Other names: c.1128C>T, p.Ser376= (NM_001025242.2, NM_001025243.2); c.1206C>T, p.Ser402= (NM_001410701.1); c.1128C>T (NM_001569.3).
Identifiers: ClinVar variation 2661780 (VCV002661780.26), dbSNP rs202203227, ClinGen allele CA10558182.